The following is an entry in ClinVar:

NM_005462.5(MAGEC1):c.2655G>T (p.Leu885Phe)

Gene: MAGEC1 (MAGE family member C1; plus strand). Cytogenetic location: Xq27.2.
Variant type: single nucleotide variant.
Coding change: c.2655G>T on transcript NM_005462.5 (MANE Select); coding-DNA position 2655, G replaced by T.
Protein change: p.Leu885Phe; replaces leucine 885 with phenylalanine.
Molecular consequence: missense variant.
Genome position (GRCh38, 1-based): chrX:141,908,059, G>T. VCF-style: chrX-141908059-G-T. GRCh37 (hg19) VCF-style: chrX-140995845-G-T.
Other names: c.2655G>T (NM_005462.4); short protein forms L885F.
Identifiers: ClinVar variation 2661572 (VCV002661572.25), dbSNP rs769947583, ClinGen allele CA10533903.

ClinVar aggregate classification (germline): Conflicting classifications of pathogenicity. Review status: criteria provided, conflicting classifications (1 of 4 stars). 2 submissions from 2 submitters: Uncertain significance (1); Likely benign (1). Last evaluated 2025-08-13.

Allele frequency attached by ClinVar (database versions not stated): ExAC 0.00001; gnomAD 0.00001; gnomAD exomes 0.00001; 1000 Genomes Project 30x 0.00021; 1000 Genomes Project 0.00026.
gnomAD v4.1: 12 of 1,210,499 alleles (0.00099%); highest among the groups gnomAD compares: African/African-American, 0.0087%; no homozygotes.

Submissions (2):

Ambry Genetics
Classification: Uncertain significance. Last evaluated: 2025-08-13. Review status: criteria provided, single submitter. Criteria: Ambry Variant Classification Scheme 2023. Collection method: clinical testing. Allele origin: germline.

CeGaT Center for Human Genetics Tuebingen
Classification: Likely benign. Last evaluated: 2022-10-01. Review status: criteria provided, single submitter. Criteria: CeGaT Center For Human Genetics Tuebingen Variant Classification Criteria Version 2. Collection method: clinical testing. Allele origin: germline. Affected: yes. Observed: 1 variant allele.
Comment: MAGEC1: BP4